The following is an entry in ClinVar:

ClinVar aggregate classification (germline): Likely pathogenic (1 of 4 stars; one submission).

Conditions:
Meckel-Gruber syndrome. Also called: DYSENCEPHALIA SPLANCHNOCYSTICA; GRUBER SYNDROME; Dysencephalia splachnocystica. Identifiers: Orphanet 564, MedGen C0265215, MONDO:0018921.
Joubert syndrome. Also called: CEREBELLOPARENCHYMAL DISORDER IV; JOUBERT-BOLTSHAUSER SYNDROME; Familial aplasia of the vermis. Identifiers: Orphanet 475, MedGen C5979921, MONDO:0018772.

Submission:

Labcorp Genetics (formerly Invitae), Labcorp
Classification: Likely pathogenic for Joubert syndrome; Meckel-Gruber syndrome. Last evaluated: 2022-08-16. Review status: criteria provided, single submitter. Criteria: Invitae Variant Classification Sherloc (09022015). Collection method: clinical testing. Allele origin: germline.
Comment: In summary, the currently available evidence indicates that the variant is pathogenic, but additional data are needed to prove that conclusively. Therefore, this variant has been classified as Likely Pathogenic. Algorithms developed to predict the effect of sequence changes on RNA splicing suggest that this variant may disrupt the consensus splice site. ClinVar contains an entry for this variant (Variation ID: 1493654). Disruption of this splice site has been observed in individual(s) with Joubert syndrome (PMID: 23559409). This variant is not present in population databases (gnomAD no frequency). This sequence change affects an acceptor splice site in intron 3 of the TMEM67 gene. It is expected to disrupt RNA splicing. Variants that disrupt the donor or acceptor splice site typically lead to a loss of protein function (PMID: 16199547), and loss-of-function variants in TMEM67 are known to be pathogenic (PMID: 20232449, 23559409).

Literature cited by the submitters: PubMed 23559409; PubMed 16199547; PubMed 20232449.

NM_153704.6(TMEM67):c.407-2A>G

Gene: TMEM67 (transmembrane protein 67; plus strand). Cytogenetic location: 8q22.1.
Variant type: single nucleotide variant.
Coding change: c.407-2A>G on transcript NM_153704.6 (MANE Select); the canonical splice acceptor site of the intron before coding-DNA position 407, A replaced by G.
Molecular consequence: splice acceptor variant.
Genome position (GRCh38, 1-based): chr8:93,763,840, A>G. VCF-style: chr8-93763840-A-G. GRCh37 (hg19) VCF-style: chr8-94776068-A-G.
Other names: c.164-2A>G (NM_001142301.1).
Identifiers: ClinVar variation 1493654 (VCV001493654.6), dbSNP rs2130576231, ClinGen allele CA371686270.